The following is an entry in ClinVar:

NM_006859.4(LIAS):c.737+13A>T

Gene: LIAS (lipoic acid synthetase; plus strand). Cytogenetic location: 4p14.
Variant type: single nucleotide variant.
Coding change: c.737+13A>T on transcript NM_006859.4 (MANE Select); 13 bases into the intron after coding-DNA position 737, A replaced by T.
Molecular consequence: intron variant.
Genome position (GRCh38, 1-based): chr4:39,467,659, A>T. VCF-style: chr4-39467659-A-T. GRCh37 (hg19) VCF-style: chr4-39469279-A-T.
Other names: c.737+13A>T (NM_194451.3); c.608+2317A>T (NM_001278590.2); c.428+13A>T (NM_001363700.2).
Identifiers: ClinVar variation 138123 (VCV000138123.11), dbSNP rs79572060, ClinGen allele CA291938.

ClinVar aggregate classification (germline): Benign. Review status: criteria provided, multiple submitters, no conflicts (2 of 4 stars). 3 submissions from 3 submitters: Benign (3). Last evaluated 2026-02-03.

Conditions:
Lipoic acid synthetase deficiency. Also called: HYPERGLYCINEMIA, LACTIC ACIDOSIS, AND SEIZURES. Identifiers: Orphanet 401859, MedGen C3280887, MONDO:0013762, OMIM 614462.

Allele frequency attached by ClinVar (database versions not stated): ESP Exome Variant Server 0.02576; gnomAD 0.02580 and 0.02758; TOPMed 0.03061; gnomAD exomes 0.03186 and 0.03731; 1000 Genomes Project 30x 0.03529; 1000 Genomes Project 0.03574; ExAC 0.03747.
gnomAD v4.1: 48,723 of 1,528,414 alleles (3.2%); highest among the groups gnomAD compares: Middle Eastern, 10%; 1,077 homozygotes.

Submissions (3):

Labcorp Genetics (formerly Invitae), Labcorp
Classification: Benign for Lipoic acid synthetase deficiency. Last evaluated: 2026-02-03. Review status: criteria provided, single submitter. Criteria: Invitae Variant Classification Sherloc (09022015). Collection method: clinical testing. Allele origin: germline.

GeneDx
Classification: Benign. Last evaluated: 2013-11-05. Review status: criteria provided, single submitter. Criteria: GeneDx Variant Classification (06012015). Collection method: clinical testing. Allele origin: germline. Affected: yes.
Comment: This variant is considered likely benign or benign based on one or more of the following criteria: it is a conservative change, it occurs at a poorly conserved position in the protein, it is predicted to be benign by multiple in silico algorithms, and/or has population frequency not consistent with disease.

Breakthrough Genomics
Classification: Benign. Review status: criteria provided, single submitter. Criteria: ACMG Guidelines, 2015. Collection method: not provided. Allele origin: germline. Inheritance: Autosomal recessive inheritance. Affected: yes.